The following is an entry in ClinVar:

NM_002495.4(NDUFS4):c.150A>G (p.Thr50=)

Gene: NDUFS4 (NADH:ubiquinone oxidoreductase subunit S4; plus strand). Cytogenetic location: 5q11.2.
Variant type: single nucleotide variant.
Coding change: c.150A>G on transcript NM_002495.4 (MANE Select); coding-DNA position 150, A replaced by G.
Protein change: p.Thr50=; no amino-acid change (threonine 50 retained).
Molecular consequence: synonymous variant. On other transcripts: non-coding transcript variant (3).
Genome position (GRCh38, 1-based): chr5:53,603,503, A>G. VCF-style: chr5-53603503-A-G. GRCh37 (hg19) VCF-style: chr5-52899333-A-G.
Other names: p.Thr50=; c.150A>G, p.Thr50= (NM_001318051.2).
Identifiers: ClinVar variation 385428 (VCV000385428.19), dbSNP rs142368721, ClinGen allele CA3264190.

ClinVar aggregate classification (germline): Conflicting classifications of pathogenicity. Review status: criteria provided, conflicting classifications (1 of 4 stars). 6 submissions from 5 submitters: Uncertain significance (2); Likely benign (4). Last evaluated 2026-01-14.

Conditions:
Mitochondrial complex I deficiency, nuclear type 1. Also called: NADH-COENZYME Q REDUCTASE DEFICIENCY; MITOCHONDRIAL NADH DEHYDROGENASE COMPONENT OF COMPLEX I, DEFICIENCY OF. Identifiers: MedGen C6022305, MONDO:0100224, OMIM 252010.
Leigh syndrome (NULS). Also called: Leigh's syndrome; Leigh Disease; Subacute necrotizing encephalopathy; Necrotizing encephalopathy infantile subacute of Leigh; Leigh Syndrome (mtDNA deletion); Leigh's necrotizing encephalopathy. Identifiers: Orphanet 506, MedGen C2931891, MONDO:0009723, OMIM 256000.

Allele frequency attached by ClinVar (database versions not stated): 1000 Genomes Project 30x 0.00016; 1000 Genomes Project 0.00020; ExAC 0.00037; gnomAD exomes 0.00041 and 0.00090; gnomAD 0.00051 and 0.00052; TOPMed 0.00052; ESP Exome Variant Server 0.00108.
gnomAD v4.1: 1,366 of 1,613,956 alleles (0.085%); highest among the groups gnomAD compares: Non-Finnish European, 0.11%; 2 homozygotes.

Submissions (6):

Labcorp Genetics (formerly Invitae), Labcorp
Classification: Likely benign. Last evaluated: 2026-01-14. Review status: criteria provided, single submitter. Criteria: Invitae Variant Classification Sherloc (09022015). Collection method: clinical testing. Allele origin: germline.

Mayo Clinic Laboratories, Mayo Clinic
Classification: Likely benign. Last evaluated: 2024-12-23. Review status: criteria provided, single submitter. Criteria: ACMG Guidelines, 2015. Collection method: clinical testing. Allele origin: germline. Observed: 3 variant alleles.
Comment: BP4, BP7

Blueprint Genetics
Classification: Likely benign. Last evaluated: 2024-11-26. Review status: criteria provided, single submitter. Criteria: ACMG Guidelines, 2015. Collection method: clinical testing. Allele origin: germline.

GeneDx
Classification: Likely benign. Last evaluated: 2020-12-29. Review status: criteria provided, single submitter. Criteria: GeneDx Variant Classification Process June 2021. Collection method: clinical testing. Allele origin: germline. Affected: yes.

Illumina Laboratory Services, Illumina
Classification: Uncertain significance for Leigh syndrome. Last evaluated: 2018-01-13. Review status: criteria provided, single submitter. Criteria: ICSL Variant Classification Criteria 13 December 2019. Collection method: clinical testing. Allele origin: germline.

Illumina Laboratory Services, Illumina
Classification: Uncertain significance for Mitochondrial complex I deficiency, nuclear type 1. Last evaluated: 2018-01-13. Review status: criteria provided, single submitter. Criteria: ICSL Variant Classification Criteria 13 December 2019. Collection method: clinical testing. Allele origin: germline.